The following is an entry in ClinVar:

ClinVar aggregate classification (germline): Likely pathogenic (1 of 4 stars; one submission).

Conditions:
Developmental and epileptic encephalopathy 94 (DEE94). Also called: CHD2-Related Neurodevelopmental Disorders; Epileptic encephalopathy, childhood-onset. Identifiers: Orphanet 1942, Orphanet 2382, MedGen C3809278, MONDO:0014150, OMIM 615369.

Submission:

Labcorp Genetics (formerly Invitae), Labcorp
Classification: Likely pathogenic for Developmental and epileptic encephalopathy 94. Last evaluated: 2022-07-26. Review status: criteria provided, single submitter. Criteria: Invitae Variant Classification Sherloc (09022015). Collection method: clinical testing. Allele origin: germline.
Comment: In summary, the currently available evidence indicates that the variant is pathogenic, but additional data are needed to prove that conclusively. Therefore, this variant has been classified as Likely Pathogenic. Algorithms developed to predict the effect of sequence changes on RNA splicing suggest that this variant may disrupt the consensus splice site. ClinVar contains an entry for this variant (Variation ID: 1348533). This variant has not been reported in the literature in individuals affected with CHD2-related conditions. This variant is not present in population databases (gnomAD no frequency). This sequence change affects a donor splice site in intron 33 of the CHD2 gene. It is expected to disrupt RNA splicing. Variants that disrupt the donor or acceptor splice site typically lead to a loss of protein function (PMID: 16199547), and loss-of-function variants in CHD2 are known to be pathogenic (PMID: 23708187, 24207121).

Literature cited by the submitters: PubMed 16199547; PubMed 23708187; PubMed 24207121.

NM_001271.4(CHD2):c.4278+1G>A

Gene: CHD2 (chromodomain helicase DNA binding protein 2; plus strand). Cytogenetic location: 15q26.1.
Variant type: single nucleotide variant.
Coding change: c.4278+1G>A on transcript NM_001271.4 (MANE Select); the canonical splice donor site of the intron after coding-DNA position 4278, G replaced by A.
Molecular consequence: splice donor variant.
Genome position (GRCh38, 1-based): chr15:93,002,318, G>A. VCF-style: chr15-93002318-G-A. GRCh37 (hg19) VCF-style: chr15-93545548-G-A.
Identifiers: ClinVar variation 1348533 (VCV001348533.8), dbSNP rs2141873750, ClinGen allele CA393901643.